The following is an entry in ClinVar:

NM_006261.5(PROP1):c.140C>T (p.Pro47Leu)

Gene: PROP1 (PROP paired-like homeobox 1; minus strand). Cytogenetic location: 5q35.3.
Variant type: single nucleotide variant.
Coding change: c.140C>T on transcript NM_006261.5 (MANE Select); coding-DNA position 140, C replaced by T.
Protein change: p.Pro47Leu; replaces proline 47 with leucine.
Molecular consequence: missense variant.
Genome position (GRCh38, 1-based): chr5:177,994,308, G>A on the plus strand (C>T on the coding strand, the complement: PROP1 is on the minus strand). VCF-style: chr5-177994308-G-A. GRCh37 (hg19) VCF-style: chr5-177421309-G-A.
Other names: c.140C>T (NM_006261.4); short protein forms P47L.
Identifiers: ClinVar variation 3895832 (VCV003895832.2).
Genomic context (GRCh38, chr5:177,994,308, plus strand): 5'-TGCGGGCGGCCCCTCTGTCCTCCTTGCGGGGAGAACCTTGATCTCCCCCCTCCTGCACCA[G>A]GGAGCCTTCTGCAGGGTGGAGCACTCGAGTCTGAGAACGGAGAGAAGGGAGGGGCGGCTT-3'
Protein context (NP_006252.4, residues 37-57): DSSAPPCRRL[Pro47Leu]GAGGGRSRFS

ClinVar aggregate classification (germline): Uncertain significance. Review status: criteria provided, multiple submitters, no conflicts (2 of 4 stars). 2 submissions from 2 submitters: Uncertain significance (2). Last evaluated 2026-04-07.

gnomAD v4.1: 10 of 1,609,512 alleles (0.00062%); highest among the groups gnomAD compares: Admixed American, 0.01%; no homozygotes.

Submissions (2):

GeneDx
Classification: Uncertain significance. Last evaluated: 2026-04-07. Review status: criteria provided, single submitter. Criteria: GeneDx Variant Classification Process June 2021. Collection method: clinical testing. Allele origin: germline.
Comment: In silico analysis suggests that this missense variant does not alter protein structure/function; Has not been previously published as pathogenic or benign to our knowledge

Women's Health and Genetics/Laboratory Corporation of America, LabCorp
Classification: Uncertain significance. Last evaluated: 2025-03-05. Review status: criteria provided, single submitter. Criteria: LabCorp Variant Classification Summary - May 2015. Collection method: clinical testing. Allele origin: germline.
Comment: Variant summary: PROP1 c.140C>T (p.Pro47Leu) results in a non-conservative amino acid change in the encoded protein sequence. Four of five in-silico tools predict a benign effect of the variant on protein function. The variant allele was found at a frequency of 2.5e-05 in 237776 control chromosomes (gnomAD). The available data on variant occurrences in the general population are insufficient to allow any conclusion about variant significance. To our knowledge, no occurrence of c.140C>T in individuals affected with &phenotype& and no experimental evidence demonstrating its impact on protein function have been reported. No submitters have cited clinical-significance assessments for this variant to ClinVar. Based on the evidence outlined above, the variant was classified as uncertain significance.